The following is an entry in ClinVar:

ClinVar aggregate classification (germline): Likely benign. Review status: criteria provided, multiple submitters, no conflicts (2 of 4 stars). 2 submissions from 2 submitters: Likely benign (2). Last evaluated 2025-10-29.

gnomAD v4.1: 6 of 1,613,982 alleles (0.00037%); highest among the groups gnomAD compares: Non-Finnish European, 0.00051%; no homozygotes.

Submissions (2):

Labcorp Genetics (formerly Invitae), Labcorp
Classification: Likely benign. Last evaluated: 2025-10-29. Review status: criteria provided, single submitter. Criteria: Invitae Variant Classification Sherloc (09022015). Collection method: clinical testing. Allele origin: germline.

Mayo Clinic Laboratories, Mayo Clinic
Classification: Likely benign. Last evaluated: 2024-10-24. Review status: criteria provided, single submitter. Criteria: ACMG Guidelines, 2015. Collection method: clinical testing. Allele origin: germline. Observed: 1 variant allele.
Comment: BP4, BP7

NM_000452.3(SLC10A2):c.678G>A (p.Leu226=)

Gene: SLC10A2 (solute carrier family 10 member 2; minus strand). Cytogenetic location: 13q33.1.
Variant type: single nucleotide variant.
Coding change: c.678G>A on transcript NM_000452.3 (MANE Select); coding-DNA position 678, G replaced by A.
Protein change: p.Leu226=; no amino-acid change (leucine 226 retained).
Molecular consequence: synonymous variant.
Genome position (GRCh38, 1-based): chr13:103,051,340, C>T on the plus strand (G>A on the coding strand, the complement: SLC10A2 is on the minus strand). VCF-style: chr13-103051340-C-T. GRCh37 (hg19) VCF-style: chr13-103703690-C-T.
Other names: p.Leu226=.
Identifiers: ClinVar variation 4683829 (VCV004683829.2).